The following is an entry in ClinVar:

NM_014714.4(IFT140):c.1146G>A (p.Thr382=)

Genes: IFT140 (intraflagellar transport 140; minus strand), LOC105371046 (uncharacterized LOC105371046; plus strand). Cytogenetic location: 16p13.3.
Variant type: single nucleotide variant.
Coding change: c.1146G>A on transcript NM_014714.4 (MANE Select); coding-DNA position 1146, G replaced by A.
Protein change: p.Thr382=; no amino-acid change (threonine 382 retained).
Molecular consequence: synonymous variant.
Genome position (GRCh38, 1-based): chr16:1,586,139, C>T on the plus strand (G>A on the coding strand, the complement: IFT140 is on the minus strand). VCF-style: chr16-1586139-C-T. GRCh37 (hg19) VCF-style: chr16-1636140-C-T.
Other names: c.1146G>A (NM_014714.3).
Identifiers: ClinVar variation 1532396 (VCV001532396.11), dbSNP rs200975046, ClinGen allele CA7814425.

ClinVar aggregate classification (germline): Likely benign. Review status: criteria provided, multiple submitters, no conflicts (2 of 4 stars). 4 submissions from 4 submitters: Likely benign (4). Last evaluated 2026-01-09.

Conditions:
Saldino-Mainzer syndrome (SRTD9). Also called: SHORT-RIB THORACIC DYSPLASIA 9 WITHOUT POLYDACTYLY; Renal dysplasia, retinal pigmentary dystrophy, cerebellar ataxia and skeletal dysplasia; CONORENAL SYNDROME; short-rib thoracic dysplasia 9 with or without polydactyly. Identifiers: Orphanet 140969, MedGen C1849437, MONDO:0009964, OMIM 266920.
Retinitis pigmentosa 80 (RP80). Identifiers: MedGen C4540439, MONDO:0054708, OMIM 617781.
IFT140-related disorder. Also called: IFT140-related condition.

Allele frequency attached by ClinVar (database versions not stated): gnomAD exomes 0.00002 and 0.00006; ExAC 0.00003; ESP Exome Variant Server 0.00008; TOPMed 0.00008; gnomAD 0.00009 and 0.00010; 1000 Genomes Project 0.00020; 1000 Genomes Project 30x 0.00031.
gnomAD v4.1: 103 of 1,613,008 alleles (0.0064%); highest among the groups gnomAD compares: African/African-American, 0.021%; no homozygotes.

Submissions (4):

Labcorp Genetics (formerly Invitae), Labcorp
Classification: Likely benign for Saldino-Mainzer syndrome. Last evaluated: 2026-01-09. Review status: criteria provided, single submitter. Criteria: Invitae Variant Classification Sherloc (09022015). Collection method: clinical testing. Allele origin: germline.

PreventionGenetics, part of Exact Sciences
Classification: Likely benign for IFT140-related condition. Last evaluated: 2025-10-15. Review status: criteria provided, single submitter. Criteria: ACMG Guidelines, 2015. Collection method: clinical testing. Allele origin: germline.
Comment: This variant is classified as likely benign based on ACMG/AMP sequence variant interpretation guidelines (Richards et al. 2015 PMID: 25741868, with internal and published modifications).

Blueprint Genetics
Classification: Likely benign. Last evaluated: 2024-03-08. Review status: criteria provided, single submitter. Criteria: ACMG Guidelines, 2015. Collection method: clinical testing. Allele origin: germline.

Fulgent Genetics
Classification: Likely benign for Saldino-Mainzer syndrome; Retinitis pigmentosa 80. Last evaluated: 2022-03-14. Review status: criteria provided, single submitter. Criteria: ACMG Guidelines, 2015. Collection method: clinical testing. Allele origin: unknown.